The following is an entry in ClinVar:

NM_012123.4(MTO1):c.1498C>T (p.Arg500Ter)

Gene: MTO1 (mitochondrial tRNA translation optimization 1; plus strand). Cytogenetic location: 6q13.
Variant type: single nucleotide variant.
Coding change: c.1498C>T on transcript NM_012123.4 (MANE Select); coding-DNA position 1498, C replaced by T.
Protein change: p.Arg500Ter; replaces arginine 500 with a stop codon.
Molecular consequence: nonsense.
Genome position (GRCh38, 1-based): chr6:73,482,481, C>T. VCF-style: chr6-73482481-C-T. GRCh37 (hg19) VCF-style: chr6-74192204-C-T.
Other names: c.1618C>T, p.Arg540Ter (NM_001123226.2); c.1573C>T, p.Arg525Ter (NM_133645.3); short protein forms R500*, R525*, R540*.
Identifiers: ClinVar variation 1076245 (VCV001076245.7), dbSNP rs372842922, ClinGen allele CA3889671.

ClinVar aggregate classification (germline): Pathogenic (1 of 4 stars; one submission).

Conditions:
Mitochondrial hypertrophic cardiomyopathy with lactic acidosis due to MTO1 deficiency. Also called: CARDIOMYOPATHY, INFANTILE HYPERTROPHIC MITOCHONDRIAL, AND LACTIC ACIDOSIS; Combined oxidative phosphorylation deficiency 10. Identifiers: Orphanet 314637, MedGen C4749921, MONDO:0013865, OMIM 614702.

Allele frequency attached by ClinVar (database versions not stated): gnomAD 0.00001; gnomAD exomes 0.00001 and 0.00002; TOPMed 0.00001; ExAC 0.00003; ESP Exome Variant Server 0.00008.
gnomAD v4.1: 22 of 1,613,012 alleles (0.0014%); highest among the groups gnomAD compares: East Asian, 0.0067%; no homozygotes.

Submission:

Labcorp Genetics (formerly Invitae), Labcorp
Classification: Pathogenic for Mitochondrial hypertrophic cardiomyopathy with lactic acidosis due to MTO1 deficiency. Last evaluated: 2025-03-05. Review status: criteria provided, single submitter. Criteria: Invitae Variant Classification Sherloc (09022015). Collection method: clinical testing. Allele origin: germline.
Comment: This sequence change creates a premature translational stop signal (p.Arg500*) in the MTO1 gene. It is expected to result in an absent or disrupted protein product. Loss-of-function variants in MTO1 are known to be pathogenic (PMID: 22608499, 25058219). This variant is present in population databases (rs372842922, gnomAD 0.01%). This variant has not been reported in the literature in individuals affected with MTO1-related conditions. ClinVar contains an entry for this variant (Variation ID: 1076245). For these reasons, this variant has been classified as Pathogenic.

Literature cited by the submitters: PubMed 22608499; PubMed 25058219.